The following is an entry in ClinVar:

NM_000548.5(TSC2):c.1504del (p.His502fs)

Gene: TSC2 (TSC complex subunit 2; plus strand). Cytogenetic location: 16p13.3.
Variant type: Deletion.
Coding change: c.1504del on transcript NM_000548.5 (MANE Select); coding-DNA position 1504, one base deleted (C; older notation c.1504delC).
Protein change: p.His502fs; shifts the reading frame from histidine 502.
Molecular consequence: frameshift variant. On other transcripts: 5 prime UTR variant (1), non-coding transcript variant (5).
Genome position (GRCh38, 1-based): chr16:2,064,332, C deleted; the last of 2 consecutive C bases (chr16:2,064,331-2,064,332); deleting either gives the same sequence. VCF-style (leftmost placement, unchanged base first): chr16-2064330-AC-A. GRCh37 (hg19) VCF-style: chr16-2114331-AC-A.
Other names: c.1504delC, p.His502Thrfs (NM_000548.3); c.1504del, p.His502fs (NM_001077183.3, NM_001114382.3, NM_001363528.2 and 6 more transcripts); c.1393del, p.His465fs (NM_001318827.2, NM_001406670.1, NM_001406678.1); c.1357del, p.His453fs (NM_001318829.2, NM_001406675.1, NM_001406676.1 and 1 more transcripts); c.904del, p.His302fs (NM_001318831.2, NM_001406680.1, NM_001406682.1 and 6 more transcripts); c.1537del, p.His513fs (NM_001318832.2); c.1594del, p.His532fs (NM_001406667.1, NM_001406668.1); c.1492del, p.His498fs (NM_001406671.1, NM_001406673.1); and 4 more; short protein forms H302fs, H348fs, H453fs, H465fs, H483fs, H498fs, H502fs, H513fs.
Identifiers: ClinVar variation 3906413 (VCV003906413.1).
Genomic context (GRCh38, chr16:2,064,330, plus strand): 5'-AGGAGGAGCTGATTAACTCAGTGGTCATCTCGCAGCTCTCCCACATCCCCGAGGATAAAG[AC>A]CACCAGGTCCGAAAGCTGGCCACCCAGTTGCTGGTGGACCTGGCAGAGGGCTGCCACACA-3'

ClinVar aggregate classification (germline): Pathogenic (1 of 4 stars; one submission).

Submission:

GeneDx
Classification: Pathogenic. Last evaluated: 2024-12-23. Review status: criteria provided, single submitter. Criteria: GeneDx Variant Classification Process June 2021. Collection method: clinical testing. Allele origin: germline. Affected: yes.
Comment: Frameshift variant predicted to result in protein truncation or nonsense mediated decay in a gene for which loss of function is a known mechanism of disease; Not observed at significant frequency in large population cohorts (gnomAD); This variant is associated with the following publications: (PMID: 32603599)